The following is an entry in ClinVar:

NM_013432.5(TONSL):c.739G>A (p.Val247Ile)

Gene: TONSL (tonsoku like, DNA repair protein; minus strand). Cytogenetic location: 8q24.3.
Variant type: single nucleotide variant.
Coding change: c.739G>A on transcript NM_013432.5 (MANE Select); coding-DNA position 739, G replaced by A.
Protein change: p.Val247Ile; replaces valine 247 with isoleucine.
Molecular consequence: missense variant.
Genome position (GRCh38, 1-based): chr8:144,442,252, C>T on the plus strand (G>A on the coding strand, the complement: TONSL is on the minus strand). VCF-style: chr8-144442252-C-T. GRCh37 (hg19) VCF-style: chr8-145667635-C-T.
Other names: short protein forms V247I.
Identifiers: ClinVar variation 1719213 (VCV001719213.4), dbSNP rs1207597637, ClinGen allele CA372676322.

ClinVar aggregate classification (germline): Uncertain significance (1 of 4 stars; one submission).

Allele frequency attached by ClinVar (database versions not stated): TOPMed below 0.00001; gnomAD 0.00001.
gnomAD v4.1: 1 of 1,588,434 alleles (0.000063%); highest among the groups gnomAD compares: Non-Finnish European, 0.000086%; no homozygotes.

Submission:

Labcorp Genetics (formerly Invitae), Labcorp
Classification: Uncertain significance. Last evaluated: 2022-10-25. Review status: criteria provided, single submitter. Criteria: Invitae Variant Classification Sherloc (09022015). Collection method: clinical testing. Allele origin: germline.
Comment: This sequence change replaces valine, which is neutral and non-polar, with isoleucine, which is neutral and non-polar, at codon 247 of the TONSL protein (p.Val247Ile). This variant is not present in population databases (gnomAD no frequency). This variant has not been reported in the literature in individuals affected with TONSL-related conditions. Advanced modeling of protein sequence and biophysical properties (such as structural, functional, and spatial information, amino acid conservation, physicochemical variation, residue mobility, and thermodynamic stability) performed at Invitae indicates that this missense variant is not expected to disrupt TONSL protein function. In summary, the available evidence is currently insufficient to determine the role of this variant in disease. Therefore, it has been classified as a Variant of Uncertain Significance.